The following is an entry in ClinVar:

ClinVar aggregate classification (germline): Benign/Likely benign. Review status: criteria provided, multiple submitters, no conflicts (2 of 4 stars). 10 submissions from 10 submitters: Benign (5); Likely benign (1). 4 of the submissions do not count toward it. Last evaluated 2025-05-02.

Conditions:
Polycystic kidney disease, adult type (PKD1). Also called: POLYCYSTIC KIDNEY DISEASE, ADULT, TYPE I; Polycystic Kidney Disease 1, Autosomal Dominant; Polycystic kidney disease 1; Polycystic kidney disease 1, severe; POLYCYSTIC KIDNEY DISEASE 1 WITH OR WITHOUT POLYCYSTIC LIVER DISEASE; Polycystic Kidney, Autosomal Dominant. Identifiers: MedGen C3149841, MONDO:0008263, OMIM 173900.
Polycystic kidney disease. Also called: Kidney, Polycystic; Polycystic kidney dysplasia. Identifiers: MedGen C0022680, MeSH D007690, MONDO:0020642, HP:0000113.

Allele frequency attached by ClinVar (database versions not stated): gnomAD 0.03980 and 0.04243; ESP Exome Variant Server 0.04258; TOPMed 0.04521; 1000 Genomes Project 0.05132; 1000 Genomes Project 30x 0.05387.
gnomAD v4.1: 12,154 of 1,601,874 alleles (0.76%); highest among the groups gnomAD compares: African/African-American, 14%; 807 homozygotes.

Submissions (10):

Women's Health and Genetics/Laboratory Corporation of America, LabCorp
Classification: Likely benign. Last evaluated: 2025-05-02. Review status: criteria provided, single submitter. Criteria: LabCorp Variant Classification Summary - May 2015. Collection method: clinical testing. Allele origin: germline.

Mayo Clinic Laboratories, Mayo Clinic
Classification: Benign. Last evaluated: 2022-11-18. Review status: criteria provided, single submitter. Criteria: ACMG Guidelines, 2015. Collection method: clinical testing. Allele origin: germline. Observed: 39 variant alleles.

ARUP Laboratories, Molecular Genetics and Genomics, ARUP Laboratories
Classification: Benign for Polycystic kidney disease, adult type. Last evaluated: 2020-06-02. Review status: criteria provided, single submitter. Criteria: ARUP Molecular Germline Variant Investigation Process. Collection method: clinical testing. Allele origin: germline.

GeneDx
Classification: Benign. Last evaluated: 2019-10-11. Review status: criteria provided, single submitter. Criteria: GeneDx Variant Classification Process June 2021. Collection method: clinical testing. Allele origin: germline. Affected: yes.

Breakthrough Genomics
Classification: Benign. Review status: criteria provided, single submitter. Criteria: ACMG Guidelines, 2015. Collection method: not provided. Allele origin: germline. Inheritance: Autosomal dominant inheritance. Affected: yes.

PreventionGenetics, part of Exact Sciences
Classification: Benign. Review status: criteria provided, single submitter. Criteria: ACMG Guidelines, 2015. Collection method: clinical testing. Allele origin: germline.

Department of Pathology and Laboratory Medicine, Sinai Health System
Classification: Benign for Polycystic Kidney disease. Review status: no assertion criteria provided. Collection method: clinical testing. Allele origin: unknown. Affected: yes. Observed: 1 variant allele. Study: The Canadian Open Genetics Repository (COGR). Not counted in ClinVar's aggregate classification.
Comment: The PKD1 p.Val3409Leu variant was identified in 7 of 698 proband chromosomes (frequency: 0.010) from individuals or families with ADPKD (Bataille 2011, Garcia-Gonzalez 2007, Rossetti 2012). The variant was identified in dbSNP (ID: rs61747420) as â€šÃ„ÃºNAâ€šÃ„Ã¹, ADPKD Mutation Database (classification likely neutral), but was not identified in Clinvitae, ClinVar, GeneInsight COGR, MutDB, PKD1-LOVD, and PKD1-LOVD 3.0. This variant was also identified in the 1000 Genomes Project in 257 of 5010 chromosomes (frequency: 0.05), HAPMAP-AFR in 246 of 1322 chromosomes (frequency: 0.1861) and HAPMAP-AMR in 11 of 694 chromosomes (frequency: 0.0159), NHLBI GO Exome Sequencing Project in 6 of 8521 European American alleles (frequency: 0.0007) and in 543 of 4370 African American alleles (frequency: 0.1242), and in the Exome Aggregation Consortium database (March 14, 2016) in 1418 of 112354 chromosomes (freq. 0.013) in the following populations: African in 1301 (84 homozygous) of 8808 chromosomes (freq. 0.15), Latino in 79 of 11296 chromosomes (freq. 0.007), other in 5 of 818 chromosomes (freq. 0.006), European (Non-Finish) in 32 of 60912 chromosomes (freq. 0.0005), and South Asian in 1 of 16374 chromosomes (freq. .00006), but was not seen in East Asian and Finish populations, increasing the likelihood that this may be a low frequency benign variant in certain populations of origin. The p.Val3409 residue is conserved in mammals and computational analyses (PolyPhen-2, SIFT, AlignGVGD, BLOSUM, MutationTaster) do not suggest a high likelihood of impact to the protein; however, this information is not predictive enough to rule out pathogenicity. The variant occurs 5 bases from the 3â€šÃ„Ã´ splice site and 4 of 5 in silico or computational prediction software programs (SpliceSiteFinder, MaxEntScan, NNSPLICE, GeneSplicer, HumanSpliceFinder) predict the abolishment of the consensus splice site. However, this information is not predictive enough to assume pathogenicity. In summary, based on the above information, this variant meets our laboratory criteria to be classified as benign.

Genome Diagnostics Laboratory, University Medical Center Utrecht
Classification: Benign. Review status: no assertion criteria provided. Collection method: clinical testing. Allele origin: germline. Affected: yes. Study: VKGL Data-share Consensus. Not counted in ClinVar's aggregate classification.

Joint Genome Diagnostic Labs from Nijmegen and Maastricht, Radboudumc and MUMC+
Classification: Benign. Review status: no assertion criteria provided. Collection method: clinical testing. Allele origin: germline. Affected: yes. Study: VKGL Data-share Consensus. Not counted in ClinVar's aggregate classification.

Laboratory of Diagnostic Genome Analysis, Leiden University Medical Center (LUMC)
Classification: Likely benign. Review status: no assertion criteria provided. Collection method: clinical testing. Allele origin: germline. Affected: yes. Study: VKGL Data-share Consensus. Not counted in ClinVar's aggregate classification.

NM_001009944.3(PKD1):c.10225G>C (p.Val3409Leu)

Gene: PKD1 (polycystin 1, transient receptor potential channel interacting; minus strand). Cytogenetic location: 16p13.3.
Variant type: single nucleotide variant.
Coding change: c.10225G>C on transcript NM_001009944.3 (MANE Select); coding-DNA position 10225, G replaced by C.
Protein change: p.Val3409Leu; replaces valine 3409 with leucine.
Molecular consequence: missense variant.
Genome position (GRCh38, 1-based): chr16:2,097,499, C>G on the plus strand (G>C on the coding strand, the complement: PKD1 is on the minus strand). VCF-style: chr16-2097499-C-G. GRCh37 (hg19) VCF-style: chr16-2147500-C-G.
Other names: c.10222G>C, p.Val3408Leu (NM_000296.4); short protein forms V3409L, V3408L.
Identifiers: ClinVar variation 256886 (VCV000256886.20), dbSNP rs61747420, ClinGen allele CA7829695.